The following is an entry in ClinVar:

ClinVar aggregate classification (germline): Uncertain significance (1 of 4 stars; one submission).

Conditions:
Severe combined immunodeficiency due to LCK deficiency. Also called: Immunodeficiency 22. Identifiers: Orphanet 280142, MedGen C4014233, MONDO:0014334, OMIM 615758.

Submission:

Labcorp Genetics (formerly Invitae), Labcorp
Classification: Uncertain significance for Immunodeficiency 22. Last evaluated: 2019-11-29. Review status: criteria provided, single submitter. Criteria: Invitae Variant Classification Sherloc (09022015). Collection method: clinical testing. Allele origin: germline.
Comment: This sequence change replaces threonine with isoleucine at codon 218 of the LCK protein (p.Thr218Ile). The threonine residue is highly conserved and there is a moderate physicochemical difference between threonine and isoleucine. This variant is not present in population databases (ExAC no frequency). This variant has not been reported in the literature in individuals with LCK-related conditions. Algorithms developed to predict the effect of missense changes on protein structure and function (SIFT, PolyPhen-2, Align-GVGD) all suggest that this variant is likely to be disruptive, but these predictions have not been confirmed by published functional studies and their clinical significance is uncertain. In summary, the available evidence is currently insufficient to determine the role of this variant in disease. Therefore, it has been classified as a Variant of Uncertain Significance.

NM_005356.5(LCK):c.653C>T (p.Thr218Ile)

Gene: LCK (LCK proto-oncogene, Src family tyrosine kinase; plus strand). Cytogenetic location: 1p35.2.
Variant type: single nucleotide variant.
Coding change: c.653C>T on transcript NM_005356.5 (MANE Select); coding-DNA position 653, C replaced by T.
Protein change: p.Thr218Ile; replaces threonine 218 with isoleucine.
Molecular consequence: missense variant. On other transcripts: intron variant (1).
Genome position (GRCh38, 1-based): chr1:32,276,358, C>T. VCF-style: chr1-32276358-C-T. GRCh37 (hg19) VCF-style: chr1-32741959-C-T.
Other names: c.653C>T, p.Thr218Ile (NM_001042771.3); c.632-249C>T (NM_001330468.2); short protein forms T218I.
Identifiers: ClinVar variation 840308 (VCV000840308.1), dbSNP rs1480132008, ClinGen allele CA339638623.